The following is an entry in ClinVar:

ClinVar aggregate classification (germline): Uncertain significance (1 of 4 stars; one submission).

Conditions:
Ullrich congenital muscular dystrophy 2 (UCMD2). Identifiers: Orphanet 75840, MedGen C4225314, MONDO:0014654, OMIM 616470.
Bethlem myopathy 2 (BTHLM2). Identifiers: Orphanet 536516, Orphanet 610, MedGen C4225313, MONDO:0034022, OMIM 616471.

Submission:

Labcorp Genetics (formerly Invitae), Labcorp
Classification: Uncertain significance for Bethlem myopathy 2; Ullrich congenital muscular dystrophy 2. Last evaluated: 2024-12-19. Review status: criteria provided, single submitter. Criteria: Invitae Variant Classification Sherloc (09022015). Collection method: clinical testing. Allele origin: germline.
Comment: This sequence change replaces glycine, which is neutral and non-polar, with arginine, which is basic and polar, at codon 863 of the COL12A1 protein (p.Gly863Arg). This variant is not present in population databases (gnomAD no frequency). This variant has not been reported in the literature in individuals affected with COL12A1-related conditions. Invitae Evidence Modeling of protein sequence and biophysical properties (such as structural, functional, and spatial information, amino acid conservation, physicochemical variation, residue mobility, and thermodynamic stability) indicates that this missense variant is not expected to disrupt COL12A1 protein function with a negative predictive value of 80%. In summary, the available evidence is currently insufficient to determine the role of this variant in disease. Therefore, it has been classified as a Variant of Uncertain Significance.

NM_004370.6(COL12A1):c.2587G>A (p.Gly863Arg)

Gene: COL12A1 (collagen type XII alpha 1 chain; minus strand). Cytogenetic location: 6q13.
Variant type: single nucleotide variant.
Coding change: c.2587G>A on transcript NM_004370.6 (MANE Select); coding-DNA position 2587, G replaced by A.
Protein change: p.Gly863Arg; replaces glycine 863 with arginine.
Molecular consequence: missense variant. On other transcripts: intron variant (3).
Genome position (GRCh38, 1-based): chr6:75,175,161, C>T on the plus strand (G>A on the coding strand, the complement: COL12A1 is on the minus strand). VCF-style: chr6-75175161-C-T. GRCh37 (hg19) VCF-style: chr6-75884877-C-T.
Other names: c.2587G>A, p.Gly863Arg (NM_001424113.1, NM_001424114.1); c.74-22679G>A (NM_001424116.1, NM_080645.3); c.2437+2502G>A (NM_001424115.1); short protein forms G863R.
Identifiers: ClinVar variation 3761543 (VCV003761543.2).